The following is an entry in ClinVar:

ClinVar aggregate classification (germline): Conflicting classifications of pathogenicity. Review status: criteria provided, conflicting classifications (1 of 4 stars). 2 submissions from 2 submitters: Uncertain significance (1); Likely benign (1). Last evaluated 2022-01-17.

Allele frequency attached by ClinVar (database versions not stated): gnomAD exomes below 0.00001; gnomAD 0.00001; TOPMed 0.00002.

Submissions (2):

Labcorp Genetics (formerly Invitae), Labcorp
Classification: Uncertain significance. Last evaluated: 2022-01-17. Review status: criteria provided, single submitter. Criteria: Invitae Variant Classification Sherloc (09022015). Collection method: clinical testing. Allele origin: germline.
Comment: This sequence change replaces proline, which is neutral and non-polar, with leucine, which is neutral and non-polar, at codon 50 of the VCAN protein (p.Pro50Leu). This variant is present in population databases (no rsID available, gnomAD 0.007%). This variant has not been reported in the literature in individuals affected with VCAN-related conditions. Algorithms developed to predict the effect of missense changes on protein structure and function are either unavailable or do not agree on the potential impact of this missense change (SIFT: "Deleterious"; PolyPhen-2: "Possibly Damaging"; Align-GVGD: "Class C0"). In summary, the available evidence is currently insufficient to determine the role of this variant in disease. Therefore, it has been classified as a Variant of Uncertain Significance.

Blueprint Genetics
Classification: Likely benign. Last evaluated: 2019-07-03. Review status: criteria provided, single submitter. Criteria: ACMG Guidelines, 2015. Collection method: clinical testing. Allele origin: germline.

NM_004385.5(VCAN):c.149C>T (p.Pro50Leu)

Gene: VCAN (versican; plus strand). Cytogenetic location: 5q14.2.
Variant type: single nucleotide variant.
Coding change: c.149C>T on transcript NM_004385.5 (MANE Select); coding-DNA position 149, C replaced by T.
Protein change: p.Pro50Leu; replaces proline 50 with leucine.
Molecular consequence: missense variant.
Genome position (GRCh38, 1-based): chr5:83,490,176, C>T. VCF-style: chr5-83490176-C-T. GRCh37 (hg19) VCF-style: chr5-82785995-C-T.
Other names: c.149C>T, p.Pro50Leu (NM_001126336.3, NM_001164097.2, NM_001164098.2); short protein forms P50L.
Identifiers: ClinVar variation 1947372 (VCV001947372.6), dbSNP rs1197442253, ClinGen allele CA360295004.